The following is an entry in ClinVar:

ClinVar aggregate classification (germline): Likely benign. Review status: criteria provided, multiple submitters, no conflicts (2 of 4 stars). 5 submissions from 5 submitters: Likely benign (5). Last evaluated 2025-07-16.

Allele frequency attached by ClinVar (database versions not stated): gnomAD exomes 0.00004; ExAC 0.00009; ESP Exome Variant Server 0.00015; gnomAD 0.00018 and 0.00021; TOPMed 0.00022; 1000 Genomes Project 30x 0.00031; 1000 Genomes Project 0.00040.
gnomAD v4.1: 114 of 1,601,592 alleles (0.0071%); highest among the groups gnomAD compares: African/African-American, 0.1%; 1 homozygote.

Submissions (5):

Women's Health and Genetics/Laboratory Corporation of America, LabCorp
Classification: Likely benign. Last evaluated: 2025-07-16. Review status: criteria provided, single submitter. Criteria: LabCorp Variant Classification Summary - May 2015. Collection method: clinical testing. Allele origin: germline.

Labcorp Genetics (formerly Invitae), Labcorp
Classification: Likely benign. Last evaluated: 2025-06-19. Review status: criteria provided, single submitter. Criteria: Invitae Variant Classification Sherloc (09022015). Collection method: clinical testing. Allele origin: germline.

CeGaT Center for Human Genetics Tuebingen
Classification: Likely benign. Last evaluated: 2024-07-01. Review status: criteria provided, single submitter. Criteria: CeGaT Center For Human Genetics Tuebingen Variant Classification Criteria Version 2. Collection method: clinical testing. Allele origin: germline. Affected: yes. Observed: 1 variant allele.
Comment: MYO3A: BP4, BP7

GeneDx
Classification: Likely benign. Last evaluated: 2018-08-27. Review status: criteria provided, single submitter. Criteria: GeneDx Variant Classification Process June 2021. Collection method: clinical testing. Allele origin: germline. Affected: yes.

Laboratory for Molecular Medicine, Mass General Brigham Personalized Medicine
Classification: Likely benign. Last evaluated: 2012-04-30. Review status: criteria provided, single submitter. Criteria: LMM Criteria. Collection method: clinical testing. Allele origin: germline. Observed: 1 variant allele.
Comment: Leu556Leu in Exon 17 of MYO3A: This variant is not expected to have clinical sig nificance because it does not alter an amino acid residue, is not located within the splice consensus sequence, and has been identified in 0.1% (2/3738) of Afri can American chromosomes from a broad population by the NHLBI Exome Sequencing P roject (dbSNP rs112809849).

NM_017433.5(MYO3A):c.1668A>G (p.Leu556=)

Gene: MYO3A (myosin IIIA; plus strand). Cytogenetic location: 10p12.1.
Variant type: single nucleotide variant.
Coding change: c.1668A>G on transcript NM_017433.5 (MANE Select); coding-DNA position 1668, A replaced by G.
Protein change: p.Leu556=; no amino-acid change (leucine 556 retained).
Molecular consequence: synonymous variant.
Genome position (GRCh38, 1-based): chr10:26,096,574, A>G. VCF-style: chr10-26096574-A-G. GRCh37 (hg19) VCF-style: chr10-26385503-A-G.
Identifiers: ClinVar variation 666724 (VCV000666724.31), dbSNP rs112809849, ClinGen allele CA5444747.